The following is an entry in ClinVar:

NM_002691.4(POLD1):c.490C>G (p.Leu164Val)

Gene: POLD1 (DNA polymerase delta 1, catalytic subunit; plus strand). Cytogenetic location: 19q13.33.
Variant type: single nucleotide variant.
Coding change: c.490C>G on transcript NM_002691.4 (MANE Select); coding-DNA position 490, C replaced by G.
Protein change: p.Leu164Val; replaces leucine 164 with valine.
Molecular consequence: missense variant. On other transcripts: non-coding transcript variant (1).
Genome position (GRCh38, 1-based): chr19:50,402,025, C>G. VCF-style: chr19-50402025-C-G. GRCh37 (hg19) VCF-style: chr19-50905282-C-G.
Other names: c.490C>G, p.Leu164Val (NM_001256849.1, NM_001308632.1); short protein forms L164V.
Identifiers: ClinVar variation 2829040 (VCV002829040.3), dbSNP rs2122237777, ClinGen allele CA406972997.
Genomic context (GRCh38, chr19:50,402,025, plus strand): 5'-CCCCCTGCACCTCTGATCATCCCTCCCACACCAGGTTTCGGGCCCGAGCACATGGGTGAC[C>G]TGCAACGGGAGCTGAACTTGGCCATCAGCCGGGACAGTCGCGGGGGGAGGGAGCTGACTG-3'
Protein context (NP_002682.2, residues 154-174): PGFGPEHMGD[Leu164Val]QRELNLAISR

ClinVar aggregate classification (germline): Uncertain significance (1 of 4 stars; one submission).

Conditions:
POLD1-related polyposis and colorectal cancer syndrome (CRCS10). Also called: Colorectal cancer 10; COLORECTAL CANCER, SUSCEPTIBILITY TO, ON CHROMOSOME 19q; Colorectal cancer, susceptibility to, 10. Identifiers: Orphanet 220460, MedGen C2675481, MONDO:0012953, OMIM 612591.

Submission:

Labcorp Genetics (formerly Invitae), Labcorp
Classification: Uncertain significance for POLD1-related polyposis and colorectal cancer syndrome. Last evaluated: 2025-04-11. Review status: criteria provided, single submitter. Criteria: Invitae Variant Classification Sherloc (09022015). Collection method: clinical testing. Allele origin: germline.
Comment: This sequence change replaces leucine, which is neutral and non-polar, with valine, which is neutral and non-polar, at codon 164 of the POLD1 protein (p.Leu164Val). This variant is not present in population databases (gnomAD no frequency). This variant has not been reported in the literature in individuals affected with POLD1-related conditions. ClinVar contains an entry for this variant (Variation ID: 2829040). Invitae Evidence Modeling of protein sequence and biophysical properties (such as structural, functional, and spatial information, amino acid conservation, physicochemical variation, residue mobility, and thermodynamic stability) indicates that this missense variant is not expected to disrupt POLD1 protein function with a negative predictive value of 80%. In summary, the available evidence is currently insufficient to determine the role of this variant in disease. Therefore, it has been classified as a Variant of Uncertain Significance.